The following is an entry in ClinVar:

Conditions:
Arteriohepatic dysplasia. Also called: Alagille Syndrome. Identifiers: Orphanet 52, MedGen C0085280, MeSH D016738, MONDO:0007318.

Submission:

Gilbert/Spinner Lab, Children's Hospital of Philadelphia
No classification provided (evidence only). Condition: Alagille syndrome. Review status: no classification provided. Collection method: research. Allele origin: not applicable. Functional consequence: functionally_abnormal.
ClinVar note: "not provided" was previously submitted as the classification for the variant. However, the classification appeared to be based only on an observation of functional data so it was converted to no classification on 2025-07-30.

NM_000214.3(JAG1):c.116T>G (p.Ile39Ser)

Gene: JAG1 (jagged canonical Notch ligand 1; minus strand). Cytogenetic location: 20p12.2.
Variant type: single nucleotide variant.
Coding change: c.116T>G on transcript NM_000214.3 (MANE Select); coding-DNA position 116, T replaced by G.
Protein change: p.Ile39Ser; replaces isoleucine 39 with serine.
Molecular consequence: missense variant.
Genome position (GRCh38, 1-based): chr20:10,672,972, A>C on the plus strand (T>G on the coding strand, the complement: JAG1 is on the minus strand). VCF-style: chr20-10672972-A-C. GRCh37 (hg19) VCF-style: chr20-10653620-A-C.
Other names: short protein forms I39S.
Identifiers: ClinVar variation 3573375 (VCV003573375.2).
Genomic context (GRCh38, chr20:10,672,972, plus strand): 5'-CGGGCGCCGCCGCAGCAGTTCCCGTTCTGCAGCTCCCCGTTCACGTTCTGCATGGACAGG[A>C]TCTCCAACTCGAACTGACCCGAGGCCCCACACACCTGCCGGCGAGGGAAGGAGGTAGGTC-3'
Protein context (NP_000205.1, residues 29-49): CGASGQFELE[Ile39Ser]LSMQNVNGEL